The following is an entry in ClinVar:

ClinVar aggregate classification (germline): Uncertain significance (1 of 4 stars; one submission).

Submission:

GeneDx
Classification: Uncertain significance. Last evaluated: 2024-08-03. Review status: criteria provided, single submitter. Criteria: GeneDx Variant Classification Process June 2021. Collection method: clinical testing. Allele origin: germline. Affected: yes.
Comment: Not observed at significant frequency in large population cohorts (gnomAD); In silico analysis supports that this missense variant has a deleterious effect on protein structure/function; Has not been previously published as pathogenic or benign to our knowledge

NM_015512.5(DNAH1):c.6274C>G (p.Pro2092Ala)

Gene: DNAH1 (dynein axonemal heavy chain 1; plus strand). Cytogenetic location: 3p21.1.
Variant type: single nucleotide variant.
Coding change: c.6274C>G on transcript NM_015512.5 (MANE Select); coding-DNA position 6274, C replaced by G.
Protein change: p.Pro2092Ala; replaces proline 2092 with alanine.
Molecular consequence: missense variant.
Genome position (GRCh38, 1-based): chr3:52,370,492, C>G. VCF-style: chr3-52370492-C-G. GRCh37 (hg19) VCF-style: chr3-52404508-C-G.
Other names: short protein forms P2092A.
Identifiers: ClinVar variation 3603046 (VCV003603046.1).